The following is an entry in ClinVar:

ClinVar aggregate classification (germline): Uncertain significance (1 of 4 stars; one submission).

Conditions:
Cardiovascular phenotype. Identifiers: MedGen CN230736.

gnomAD v4.1: 2 of 1,613,554 alleles (0.00012%); highest among the groups gnomAD compares: Non-Finnish European, 0.00017%; no homozygotes.

Submission:

Ambry Genetics
Classification: Uncertain significance for Cardiovascular phenotype. Last evaluated: 2025-02-20. Review status: criteria provided, single submitter. Criteria: Ambry Variant Classification Scheme 2023. Collection method: clinical testing. Allele origin: germline.
Comment: The p.A2416T variant (also known as c.7246G>A), located in coding exon 48 of the RYR2 gene, results from a G to A substitution at nucleotide position 7246. The alanine at codon 2416 is replaced by threonine, an amino acid with similar properties. This amino acid position is highly conserved in available vertebrate species. In addition, this alteration is predicted to be deleterious by in silico analysis. Based on the available evidence, the clinical significance of this variant remains unclear.

NM_001035.3(RYR2):c.7246G>A (p.Ala2416Thr)

Gene: RYR2 (ryanodine receptor 2; plus strand). Cytogenetic location: 1q43.
Variant type: single nucleotide variant.
Coding change: c.7246G>A on transcript NM_001035.3 (MANE Select); coding-DNA position 7246, G replaced by A.
Protein change: p.Ala2416Thr; replaces alanine 2416 with threonine.
Molecular consequence: missense variant.
Genome position (GRCh38, 1-based): chr1:237,643,351, G>A. VCF-style: chr1-237643351-G-A. GRCh37 (hg19) VCF-style: chr1-237806651-G-A.
Other names: short protein forms A2416T.
Identifiers: ClinVar variation 3791625 (VCV003791625.1).